The following is an entry in ClinVar:

ClinVar aggregate classification (germline): Likely benign (1 of 4 stars; one submission).

Submission:

CeGaT Center for Human Genetics Tuebingen
Classification: Likely benign. Last evaluated: 2025-10-01. Review status: criteria provided, single submitter. Criteria: CeGaT Center For Human Genetics Tuebingen Variant Classification Criteria Version 2. Collection method: clinical testing. Allele origin: germline. Affected: yes. Observed: 1 variant allele.
Comment: SON: PM2:Supporting, BP4, BP7

NM_138927.4(SON):c.2340C>T (p.Ser780=)

Gene: SON (SON DNA and RNA binding protein; plus strand). Cytogenetic location: 21q22.11.
Variant type: single nucleotide variant.
Coding change: c.2340C>T on transcript NM_138927.4 (MANE Select); coding-DNA position 2340, C replaced by T.
Protein change: p.Ser780=; no amino-acid change (serine 780 retained).
Molecular consequence: synonymous variant. On other transcripts: non-coding transcript variant (1), intron variant (1).
Genome position (GRCh38, 1-based): chr21:33,551,571, C>T. VCF-style: chr21-33551571-C-T. GRCh37 (hg19) VCF-style: chr21-34923877-C-T.
Other names: c.2340C>T, p.Ser780= (NM_001291411.2, NM_032195.3); c.244+5192C>T (NM_001291412.3).
Identifiers: ClinVar variation 4533912 (VCV004533912.6).